The following is an entry in ClinVar:

ClinVar aggregate classification (germline): Uncertain significance (1 of 4 stars; one submission).

Conditions:
Glutaric aciduria, type 1. Also called: Glutaric Acidemia Type 1; GA I; Glutaricacidemia Type 1; Glutaryl-CoA dehydrogenase deficiency; Glutaric acidemia type I; Glutaricaciduria, type I. Identifiers: Orphanet 25, MedGen C0268595, MONDO:0009281, OMIM 231670.

Submission:

Juno Genomics, Hangzhou Juno Genomics, Inc
Classification: Uncertain significance for Glutaric aciduria, type 1. Review status: criteria provided, single submitter. Criteria: ACMG Guidelines, 2015. Collection method: clinical testing. Allele origin: germline.
Comment: Null variant in a gene where loss of function (LOF) is a known mechanism of disease.;Absent from controls (or at extremely low frequency if recessive) in Genome Aggregation Database.

NM_000159.4(GCDH):c.1135del (p.Leu379fs)

Gene: GCDH (glutaryl-CoA dehydrogenase; plus strand). Cytogenetic location: 19p13.13.
Variant type: Deletion.
Coding change: c.1135del on transcript NM_000159.4 (MANE Select); coding-DNA position 1135, one base deleted (C; older notation c.1135delC).
Protein change: p.Leu379fs; shifts the reading frame from leucine 379.
Molecular consequence: frameshift variant. On other transcripts: non-coding transcript variant (2).
Genome position (GRCh38, 1-based): chr19:12,897,755, C deleted; the last of 3 consecutive C bases (chr19:12,897,753-12,897,755); deleting any one gives the same sequence. VCF-style (leftmost placement, unchanged base first): chr19-12897752-GC-G. GRCh37 (hg19) VCF-style: chr19-13008566-GC-G.
Other names: c.1135del, p.Leu379fs (NM_013976.5); short protein forms L379fs.
Identifiers: ClinVar variation 5005932 (VCV005005932.2).
Genomic context (GRCh38, chr19:12,897,752, plus strand): 5'-GCCACTCCCAGGGCTGCCCCCGAGATGGTTTCTCTGCTGAAGAGGAATAACTGTGGGAAA[GC>G]CCTGGACATCGCCCGCCAGGCCCGAGACATGCTGGGGGGGAATGGGATTTCTGACGAGTA-3'